The following is an entry in ClinVar:

ClinVar aggregate classification (germline): Likely benign (1 of 4 stars; one submission).

Conditions:
MYO7A-related disorder. Also called: MYO7A-related disorders.

gnomAD v4.1: 8 of 1,612,742 alleles (0.0005%); highest among the groups gnomAD compares: African/African-American, 0.0013%; no homozygotes.

Submissions (2):

PreventionGenetics, part of Exact Sciences
Classification: Likely benign for MYO7A-related condition. Last evaluated: 2025-09-04. Review status: criteria provided, single submitter. Criteria: ACMG Guidelines, 2015. Collection method: clinical testing. Allele origin: germline.
Comment: This variant is classified as likely benign based on ACMG/AMP sequence variant interpretation guidelines (Richards et al. 2015 PMID: 25741868, with internal and published modifications).

Dr. Peter K. Rogan Lab, Western University
No classification provided (evidence only). Condition: Ovarian serous cystadenocarcinoma. Review status: no classification provided. Collection method: in vitro. Allele origin: not applicable. Functional consequence: retained intron. Not counted in ClinVar's aggregate classification.

NM_000260.4(MYO7A):c.2095-3C>T

Gene: MYO7A (myosin VIIA; plus strand). Cytogenetic location: 11q13.5.
Variant type: single nucleotide variant.
Coding change: c.2095-3C>T on transcript NM_000260.4 (MANE Select); 3 bases into the intron before coding-DNA position 2095, C replaced by T.
Molecular consequence: intron variant.
Genome position (GRCh38, 1-based): chr11:77,175,369, C>T. VCF-style: chr11-77175369-C-T. GRCh37 (hg19) VCF-style: chr11-76886415-C-T.
Other names: NC_000011.9:g.76886415C>T; c.2062-3C>T (NM_001369365.1); c.2095-3C>T (NM_001127180.2, NM_000260.3).
Identifiers: ClinVar variation 4377070 (VCV004377070.2).